The following is an entry in ClinVar:

ClinVar aggregate classification (germline): Likely pathogenic (0 of 4 stars; one submission).

Conditions:
F7-related disorder. Also called: F7-related condition.

Submission:

PreventionGenetics, part of Exact Sciences
Classification: Likely pathogenic for F7-related condition. Last evaluated: 2024-08-04. Review status: no assertion criteria provided. Collection method: clinical testing. Allele origin: germline.
Comment: The F7 c.-58G>A variant is located in the 5' untranslated region. To our knowledge, this variant has not been reported in the literature. This variant is reported in 0.0015% of alleles in individuals of European (Non-Finnish) descent in gnomAD. An alternate substitution at this nucleotide position has been reported as causative for factor VII deficiency (Osaki. 2022. PubMed ID: 36123027) as have numerous adjacent variants that have been found to disrupt an important protein binding site in the promoter region of the F7 gene that affects F7 protein expression (Arbini. 1997. PubMed ID: 8978290; McVey. 2001. PubMed ID: 11139238; Herrmann. 2009. PubMed ID: 18976247). This variant is interpreted as likely pathogenic.

NC_000013.11:g.113105784G>A

Gene: F7 (coagulation factor VII; plus strand). Cytogenetic location: 13q34.
Variant type: single nucleotide variant.
Genome position: GRCh38 VCF-style: chr13-113105784-G-A. GRCh37 (hg19) VCF-style: chr13-113760098-G-A.
Identifiers: ClinVar variation 3350615 (VCV003350615.1).
Genomic context (GRCh38, chr13:113,105,784, plus strand): 5'-GAGGACGCCTGTGTCCTCCCCTCCCCCATCCCTCTGTCACCCTTGGAGGCAGAGAACTTT[G>A]CCCGTCAGTCCCATGGGGAATGTCAACAGGCAGGGGCAGCACTGCAGAGATTTCATCATG-3'